The following is an entry in ClinVar:

ClinVar aggregate classification (germline): Conflicting classifications of pathogenicity. Review status: criteria provided, conflicting classifications (1 of 4 stars). 5 submissions from 5 submitters: Uncertain significance (2); Likely benign (3). Last evaluated 2026-01-14.

Conditions:
MYH6-related disorder. Also called: MYH6-Related Disorders; MYH6-related condition.
Cardiomyopathy (CMYO). Also called: Cardiomyopathies. Identifiers: Orphanet 167848, MedGen C0878544, MONDO:0004994, HP:0001638. Inheritance: Various modes of inheritance.
Hypertrophic cardiomyopathy 14. Identifiers: MedGen C2750467, MONDO:0013197, OMIM 613251.

Allele frequency attached by ClinVar (database versions not stated): ExAC 0.00001; gnomAD 0.00001; gnomAD exomes 0.00001 and 0.00004; TOPMed 0.00002.
gnomAD v4.1: 67 of 1,612,468 alleles (0.0042%); highest among the groups gnomAD compares: Non-Finnish European, 0.0051%; no homozygotes.

Submissions (5):

Labcorp Genetics (formerly Invitae), Labcorp
Classification: Likely benign for Hypertrophic cardiomyopathy 14. Last evaluated: 2026-01-14. Review status: criteria provided, single submitter. Criteria: Invitae Variant Classification Sherloc (09022015). Collection method: clinical testing. Allele origin: germline.

PreventionGenetics, part of Exact Sciences
Classification: Likely benign for MYH6-related condition. Last evaluated: 2025-06-27. Review status: criteria provided, single submitter. Criteria: ACMG Guidelines, 2015. Collection method: clinical testing. Allele origin: germline.
Comment: This variant is classified as likely benign based on ACMG/AMP sequence variant interpretation guidelines (Richards et al. 2015 PMID: 25741868, with internal and published modifications).

Blueprint Genetics
Classification: Likely benign. Last evaluated: 2024-10-30. Review status: criteria provided, single submitter. Criteria: ACMG Guidelines, 2015. Collection method: clinical testing. Allele origin: germline.

CHEO Genetics Diagnostic Laboratory, Children's Hospital of Eastern Ontario
Classification: Uncertain significance for Cardiomyopathy. Last evaluated: 2021-09-02. Review status: criteria provided, single submitter. Criteria: ACMG Guidelines, 2015. Collection method: clinical testing. Allele origin: germline.

Laboratory for Molecular Medicine, Mass General Brigham Personalized Medicine
Classification: Uncertain significance. Last evaluated: 2015-12-21. Review status: criteria provided, single submitter. Criteria: LMM Criteria. Collection method: clinical testing. Allele origin: germline. Observed: 1 variant allele.
Comment: The c.4176-6G>T variant in MYH6 has not been previously identified in individual s with cardiomyopathy, but has been identified in 1/65860 European chromosomes b y the Exome Aggregation Consortium (ExAC; dbSNP rs760780588). This variant is located in the 3' splice region. Computational too ls do not suggest an impact to splicing. However, this information is not predic tive enough to rule out pathogenicity. In summary, the clinical significance of the c.4176-6G>T variant is uncertain.

NM_002471.4(MYH6):c.4176-6G>T

Gene: MYH6 (myosin heavy chain 6; minus strand). Cytogenetic location: 14q11.2.
Variant type: single nucleotide variant.
Coding change: c.4176-6G>T on transcript NM_002471.4 (MANE Select); 6 bases into the intron before coding-DNA position 4176, G replaced by T.
Molecular consequence: intron variant.
Genome position (GRCh38, 1-based): chr14:23,388,344, C>A on the plus strand (G>T on the coding strand, the complement: MYH6 is on the minus strand). VCF-style: chr14-23388344-C-A. GRCh37 (hg19) VCF-style: chr14-23857553-C-A.
Identifiers: ClinVar variation 228893 (VCV000228893.16), dbSNP rs760780588, ClinGen allele CA7114849.